The following is an entry in ClinVar:

ClinVar aggregate classification (germline): Benign/Likely benign. Review status: criteria provided, multiple submitters, no conflicts (2 of 4 stars). 2 submissions from 2 submitters: Benign (1); Likely benign (1). Last evaluated 2024-10-24.

Conditions:
Nance-Horan syndrome (NHS). Identifiers: Orphanet 627, MedGen C0796085, MONDO:0010545, OMIM 302350.

Allele frequency attached by ClinVar (database versions not stated): ExAC 0.00002; gnomAD exomes 0.00004; TOPMed 0.00004; gnomAD 0.00008.

Submissions (2):

Labcorp Genetics (formerly Invitae), Labcorp
Classification: Benign for Nance-Horan syndrome. Last evaluated: 2024-10-24. Review status: criteria provided, single submitter. Criteria: Invitae Variant Classification Sherloc (09022015). Collection method: clinical testing. Allele origin: germline.

CeGaT Center for Human Genetics Tuebingen
Classification: Likely benign. Last evaluated: 2024-02-01. Review status: criteria provided, single submitter. Criteria: CeGaT Center For Human Genetics Tuebingen Variant Classification Criteria Version 2. Collection method: clinical testing. Allele origin: germline. Affected: yes. Observed: 2 variant alleles.
Comment: NHS: BP4, BS2

NM_001291867.2(NHS):c.1655C>T (p.Pro552Leu)

Gene: NHS (NHS actin remodeling regulator; plus strand). Cytogenetic location: Xp22.13.
Variant type: single nucleotide variant.
Coding change: c.1655C>T on transcript NM_001291867.2 (MANE Select); coding-DNA position 1655, C replaced by T.
Protein change: p.Pro552Leu; replaces proline 552 with leucine.
Molecular consequence: missense variant.
Genome position (GRCh38, 1-based): chrX:17,725,761, C>T. VCF-style: chrX-17725761-C-T. GRCh37 (hg19) VCF-style: chrX-17743881-C-T.
Other names: c.1124C>T, p.Pro375Leu (NM_001136024.4); c.1061C>T, p.Pro354Leu (NM_001291868.2); c.1592C>T, p.Pro531Leu (NM_198270.4); short protein forms P354L, P375L, P531L, P552L.
Identifiers: ClinVar variation 2660085 (VCV002660085.26), dbSNP rs753798177, ClinGen allele CA10358644.